The following is an entry in ClinVar:

ClinVar aggregate classification (germline): Likely pathogenic (1 of 4 stars; one submission).

Conditions:
Cystic fibrosis (CF). Also called: MUCOVISCIDOSIS. Identifiers: Orphanet 586, MedGen C0010674, MONDO:0009061, OMIM 219700. Disease mechanism: loss of function.

Submission:

Myriad Genetics, Inc.
Classification: Likely pathogenic for Cystic fibrosis. Last evaluated: 2022-01-02. Review status: criteria provided, single submitter. Criteria: Myriad Women's Health Autosomal Recessive and X-Linked Classification Criteria (2021). Collection method: clinical testing. Allele origin: unknown.
Comment: NM_000492.3(CFTR):c.2891_2892delTCinsA(L964Qfs*4) is expected to be pathogenic in the context of cystic fibrosis. This variant is predicted to lead to an abnormal or absent protein product due to the creation of a premature termination codon in CFTR, a gene where loss-of-function variants are known to be pathogenic. Please note: this variant was assessed in the context of healthy population screening.

NM_000492.4(CFTR):c.2891_2892delinsA (p.Leu964fs)

Gene: CFTR (CF transmembrane conductance regulator; plus strand). Cytogenetic location: 7q31.2.
Variant type: Indel.
Coding change: c.2891_2892delinsA on transcript NM_000492.4 (MANE Select); coding-DNA positions 2891 to 2892, TC replaced by A.
Protein change: p.Leu964fs; shifts the reading frame from leucine 964.
Molecular consequence: frameshift variant.
Genome position (GRCh38, 1-based): chr7:117,603,765-117,603,766, TC replaced by A. VCF-style: chr7-117603765-TC-A. GRCh37 (hg19) VCF-style: chr7-117243819-TC-A.
Other names: short protein forms L964fs.
Identifiers: ClinVar variation 1726769 (VCV001726769.2), dbSNP rs2485122452, ClinGen allele CA2580076366.
Genomic context (GRCh38, chr7:117,603,765, plus strand): 5'-TGTCGAAAATTTTACACCACAAAATGTTACATTCTGTTCTTCAAGCACCTATGTCAACCC[TC>A]AACACGTTGAAAGCAGGTACTTTACTAGGTCTAAGAAATGAAACTGCTGATCCACCATCA-3'